The following is an entry in ClinVar:

ClinVar aggregate classification (germline): Uncertain significance (0 of 4 stars; one submission).

Conditions:
CR2-related disorder. Also called: CR2-related condition; CR2-related disorders.

gnomAD v4.1: 4 of 1,613,988 alleles (0.00025%); highest among the groups gnomAD compares: Non-Finnish European, 0.00034%; no homozygotes.

Submission:

PreventionGenetics, part of Exact Sciences
Classification: Uncertain significance for CR2-related condition. Last evaluated: 2024-08-02. Review status: no assertion criteria provided. Collection method: clinical testing. Allele origin: germline.
Comment: The CR2 c.2701A>G variant is predicted to result in the amino acid substitution p.Thr901Ala. To our knowledge, this variant has not been reported in the literature or in a large population database, indicating this variant is rare. At this time, the clinical significance of this variant is uncertain due to the absence of conclusive functional and genetic evidence.

NM_001006658.3(CR2):c.2701A>G (p.Thr901Ala)

Gene: CR2 (complement C3d receptor 2; plus strand). Cytogenetic location: 1q32.2.
Variant type: single nucleotide variant.
Coding change: c.2701A>G on transcript NM_001006658.3 (MANE Select); coding-DNA position 2701, A replaced by G.
Protein change: p.Thr901Ala; replaces threonine 901 with alanine.
Molecular consequence: missense variant.
Genome position (GRCh38, 1-based): chr1:207,475,201, A>G. VCF-style: chr1-207475201-A-G. GRCh37 (hg19) VCF-style: chr1-207648546-A-G.
Other names: c.2524A>G, p.Thr842Ala (NM_001877.5); short protein forms T842A, T901A.
Identifiers: ClinVar variation 3344893 (VCV003344893.1).